The following is an entry in ClinVar:

ClinVar aggregate classification (germline): Uncertain significance. Review status: criteria provided, multiple submitters, no conflicts (2 of 4 stars). 3 submissions from 3 submitters: Uncertain significance (3). Last evaluated 2021-09-17.

Conditions:
LAMA2-related muscular dystrophy (LAMA2-RD). Also called: Laminin alpha 2-related dystrophy. Identifiers: MedGen C5679788, MONDO:0100228.
Congenital muscular dystrophy due to partial LAMA2 deficiency. Identifiers: MedGen C1842898.

Allele frequency attached by ClinVar (database versions not stated): TOPMed 0.00007; ESP Exome Variant Server 0.00008; gnomAD exomes 0.00011 and 0.00006; gnomAD 0.00006; ExAC 0.00007.
gnomAD v4.1: 171 of 1,613,860 alleles (0.011%); highest among the groups gnomAD compares: Non-Finnish European, 0.014%; no homozygotes.

Submissions (3):

Labcorp Genetics (formerly Invitae), Labcorp
Classification: Uncertain significance for LAMA2-related muscular dystrophy. Last evaluated: 2021-09-17. Review status: criteria provided, single submitter. Criteria: Invitae Variant Classification Sherloc (09022015). Collection method: clinical testing. Allele origin: germline.
Comment: This sequence change replaces threonine with alanine at codon 2570 of the LAMA2 protein (p.Thr2570Ala). The threonine residue is weakly conserved and there is a small physicochemical difference between threonine and alanine. This variant is present in population databases (rs144901086, ExAC 0.01%). This variant has been observed in individual(s) with dilated cardiomyopathy (PMID: 31983221). ClinVar contains an entry for this variant (Variation ID: 355299). Algorithms developed to predict the effect of missense changes on protein structure and function output the following: SIFT: "Tolerated"; PolyPhen-2: "Benign"; Align-GVGD: "Class C0". The alanine amino acid residue is found in multiple mammalian species, which suggests that this missense change does not adversely affect protein function. In summary, the available evidence is currently insufficient to determine the role of this variant in disease. Therefore, it has been classified as a Variant of Uncertain Significance.

Revvity Omics, Revvity
Classification: Uncertain significance. Last evaluated: 2019-02-13. Review status: criteria provided, single submitter. Criteria: ACMG Guidelines, 2015. Collection method: clinical testing. Allele origin: germline.

Illumina Laboratory Services, Illumina
Classification: Uncertain significance for Congenital muscular dystrophy due to partial LAMA2 deficiency. Last evaluated: 2018-01-12. Review status: criteria provided, single submitter. Criteria: ICSL Variant Classification Criteria 13 December 2019. Collection method: clinical testing. Allele origin: germline.

Literature cited by the submitters: PubMed 31983221 (cited by Labcorp Genetics (formerly Invitae), Labcorp).

NM_000426.4(LAMA2):c.7708A>G (p.Thr2570Ala)

Gene: LAMA2 (laminin subunit alpha 2; plus strand). Cytogenetic location: 6q22.33.
Variant type: single nucleotide variant.
Coding change: c.7708A>G on transcript NM_000426.4 (MANE Select); coding-DNA position 7708, A replaced by G.
Protein change: p.Thr2570Ala; replaces threonine 2570 with alanine.
Molecular consequence: missense variant.
Genome position (GRCh38, 1-based): chr6:129,481,398, A>G. VCF-style: chr6-129481398-A-G. GRCh37 (hg19) VCF-style: chr6-129802543-A-G.
Other names: c.7696A>G, p.Thr2566Ala (NM_001079823.2); short protein forms T2570A, T2566A.
Identifiers: ClinVar variation 355299 (VCV000355299.8), dbSNP rs144901086, ClinGen allele CA3994640.